The following is an entry in ClinVar:

ClinVar aggregate classification (germline): Likely benign. Review status: criteria provided, single submitter (1 of 4 stars). 3 submissions from 3 submitters: Likely benign (1). 2 of the submissions do not count toward it. Last evaluated 2026-01-16.

Conditions:
Meckel-Gruber syndrome. Also called: Dysencephalia splachnocystica; DYSENCEPHALIA SPLANCHNOCYSTICA; GRUBER SYNDROME. Identifiers: Orphanet 564, MedGen C0265215, MONDO:0018921.
Nephronophthisis. Also called: Juvenile Nephronophthisis. Identifiers: Orphanet 655, MedGen C0687120, MONDO:0019005, HP:0000090.
Joubert syndrome. Also called: Familial aplasia of the vermis; CEREBELLOPARENCHYMAL DISORDER IV; JOUBERT-BOLTSHAUSER SYNDROME. Identifiers: Orphanet 475, MedGen C5979921, MONDO:0018772.
CEP290-related disorder. Also called: CEP290-related condition; CEP290-related disorders. Identifiers: MedGen CN239314.
Leber congenital amaurosis (LCA). Also called: Leber's amaurosis. Identifiers: Orphanet 65, MedGen C0339527, MeSH D057130, MONDO:0018998.

Allele frequency attached by ClinVar (database versions not stated): gnomAD exomes 0.00002 and 0.00003; ExAC 0.00003; gnomAD 0.00004; TOPMed 0.00009.
gnomAD v4.1: 20 of 1,612,644 alleles (0.0012%); highest among the groups gnomAD compares: Admixed American, 0.013%; no homozygotes.

Submissions (3):

Labcorp Genetics (formerly Invitae), Labcorp
Classification: Likely benign for Joubert syndrome; Meckel-Gruber syndrome; Nephronophthisis. Last evaluated: 2026-01-16. Review status: criteria provided, single submitter. Criteria: Invitae Variant Classification Sherloc (09022015). Collection method: clinical testing. Allele origin: germline.

Natera, Inc.
Classification: Uncertain significance for Leber congenital amaurosis. Last evaluated: 2020-04-17. Review status: no assertion criteria provided. Collection method: clinical testing. Allele origin: germline. Not counted in ClinVar's aggregate classification.

PreventionGenetics, part of Exact Sciences
Classification: Likely benign for CEP290-related condition. Last evaluated: 2019-07-09. Review status: no assertion criteria provided. Collection method: clinical testing. Allele origin: germline. Not counted in ClinVar's aggregate classification.
Comment: This variant is classified as likely benign based on ACMG/AMP sequence variant interpretation guidelines (Richards et al. 2015 PMID: 25741868, with internal and published modifications).

NM_025114.4(CEP290):c.4404A>G (p.Leu1468=)

Gene: CEP290 (centrosomal protein 290; minus strand). Cytogenetic location: 12q21.32.
Variant type: single nucleotide variant.
Coding change: c.4404A>G on transcript NM_025114.4 (MANE Select); coding-DNA position 4404, A replaced by G.
Protein change: p.Leu1468=; no amino-acid change (leucine 1468 retained).
Molecular consequence: synonymous variant.
Genome position (GRCh38, 1-based): chr12:88,086,072, T>C on the plus strand (A>G on the coding strand, the complement: CEP290 is on the minus strand). VCF-style: chr12-88086072-T-C. GRCh37 (hg19) VCF-style: chr12-88479849-T-C.
Other names: c.4404A>G (NM_025114.3).
Identifiers: ClinVar variation 991336 (VCV000991336.12), dbSNP rs779186037, ClinGen allele CA6711946.
Genomic context (GRCh38, chr12:88,086,072, plus strand): 5'-AATCAAAATGCAAATTCTTCTAATTACCTCTTCTAGTGATTTGCAAGTTGCCCGTGTTTC[T>C]AGAATTATTCGAATGTTCTCCTTAATTTTCCTTAGAGCGATCTCAAGTTGATTTGGAAGG-3'
Protein context (NP_079390.3, residues 1458-1478): RKIKENIRII[Leu1468=]ETRATCKSLE